The following is an entry in ClinVar:

ClinVar aggregate classification (germline): Benign/Likely benign. Review status: criteria provided, multiple submitters, no conflicts (2 of 4 stars). 8 submissions from 8 submitters: Benign (2); Likely benign (6). Last evaluated 2026-05-04.

Conditions:
DICER1-related disorder. Also called: DICER1-related condition.
DICER1-related tumor predisposition. Also called: DICER1 syndrome; DICER1-related pleuropulmonary blastoma cancer predisposition syndrome. Identifiers: Orphanet 284343, MedGen C3839822, MONDO:0100216.
Hereditary cancer-predisposing syndrome. Also called: Tumor predisposition; Hereditary neoplastic syndrome; Hereditary Cancer Syndrome; Neoplastic Syndromes, Hereditary. Identifiers: Orphanet 140162, MedGen C0027672, MeSH D009386, MONDO:0015356.
Pleuropulmonary blastoma (PPB). Identifiers: Orphanet 64742, MedGen C1266144, MONDO:0011014, OMIM 601200, HP:0100528.

Allele frequency attached by ClinVar (database versions not stated): ExAC 0.00002; gnomAD 0.00002 and 0.00003; gnomAD exomes 0.00003 and 0.00006; TOPMed 0.00003.

Submissions (8):

PreventionGenetics, part of Exact Sciences
Classification: Likely benign for DICER1-related condition. Last evaluated: 2026-05-04. Review status: criteria provided, single submitter. Criteria: ACMG Guidelines, 2015. Collection method: clinical testing. Allele origin: germline.
Comment: This variant is classified as likely benign based on ACMG/AMP sequence variant interpretation guidelines (Richards et al. 2015 PMID: 25741868, with internal and published modifications).

Myriad Genetics, Inc.
Classification: Benign for DICER1-related tumor predisposition. Last evaluated: 2026-04-20. Review status: criteria provided, single submitter. Criteria: Myriad Autosomal Dominant, Autosomal Recessive and X-Linked Classification Criteria (2023). Collection method: clinical testing. Allele origin: unknown.
Comment: This variant is considered benign. This variant is a silent/synonymous amino acid change and it is not expected to impact splicing.

Labcorp Genetics (formerly Invitae), Labcorp
Classification: Likely benign for DICER1-related tumor predisposition. Last evaluated: 2026-02-03. Review status: criteria provided, single submitter. Criteria: Invitae Variant Classification Sherloc (09022015). Collection method: clinical testing. Allele origin: germline.

KCCC/NGS Laboratory, Kuwait Cancer Control Center
Classification: Benign for Pleuropulmonary blastoma. Last evaluated: 2025-02-01. Review status: criteria provided, single submitter. Criteria: ACMG Guidelines, 2015. Collection method: clinical testing. Allele origin: germline. Affected: no.

Hereditary Cancer Group, L’Institut d'Investigació Biomèdica de Bellvitge
Classification: Likely benign for Hereditary cancer-predisposing syndrome. Last evaluated: 2024-12-19. Review status: criteria provided, single submitter. Criteria: Hatton et al. (Hum Mutat. 2023). Collection method: clinical testing. Allele origin: germline. Inheritance: Autosomal dominant inheritance. Affected: yes.
Comment: BP4, BP7

Blueprint Genetics
Classification: Likely benign. Last evaluated: 2024-05-08. Review status: criteria provided, single submitter. Criteria: ACMG Guidelines, 2015. Collection method: clinical testing. Allele origin: germline.

CeGaT Center for Human Genetics Tuebingen
Classification: Likely benign. Last evaluated: 2022-04-01. Review status: criteria provided, single submitter. Criteria: CeGaT Center For Human Genetics Tuebingen Variant Classification Criteria Version 2. Collection method: clinical testing. Allele origin: germline. Affected: yes. Observed: 1 variant allele.
Comment: DICER1: BP4, BP7

Ambry Genetics
Classification: Likely benign for Hereditary cancer-predisposing syndrome. Last evaluated: 2017-04-13. Review status: criteria provided, single submitter. Criteria: Ambry Variant Classification Scheme 2023. Collection method: clinical testing. Allele origin: germline.

NM_177438.3(DICER1):c.4638C>T (p.Tyr1546=)

Gene: DICER1 (dicer 1, ribonuclease III; minus strand). Cytogenetic location: 14q32.13.
Variant type: single nucleotide variant.
Coding change: c.4638C>T on transcript NM_177438.3 (MANE Select); coding-DNA position 4638, C replaced by T.
Protein change: p.Tyr1546=; no amino-acid change (tyrosine 1546 retained).
Molecular consequence: synonymous variant.
Genome position (GRCh38, 1-based): chr14:95,096,282, G>A on the plus strand (C>T on the coding strand, the complement: DICER1 is on the minus strand). VCF-style: chr14-95096282-G-A. GRCh37 (hg19) VCF-style: chr14-95562619-G-A.
Other names: c.4638C>T, p.Tyr1546= (NM_001195573.1, NM_001271282.3, NM_001291628.2 and 1 more transcripts).
Identifiers: ClinVar variation 417063 (VCV000417063.45), dbSNP rs773822569, ClinGen allele CA7330822.